The following is an entry in ClinVar:

ClinVar aggregate classification (germline): Likely pathogenic (1 of 4 stars; one submission).

Conditions:
Duchenne muscular dystrophy (DMD). Also called: MUSCULAR DYSTROPHY, PSEUDOHYPERTROPHIC PROGRESSIVE, DUCHENNE TYPE; Duchenne Muscular Dystrophy (DMD). Identifiers: Orphanet 98896, MedGen C0013264, MONDO:0010679, OMIM 310200.

Submission:

Labcorp Genetics (formerly Invitae), Labcorp
Classification: Likely pathogenic for Duchenne muscular dystrophy. Last evaluated: 2023-08-30. Review status: criteria provided, single submitter. Criteria: Invitae Variant Classification Sherloc (09022015). Collection method: clinical testing. Allele origin: unknown.
Comment: In summary, the currently available evidence indicates that the variant is pathogenic, but additional data are needed to prove that conclusively. Therefore, this variant has been classified as Likely Pathogenic. A similar copy number variant has been observed in individual(s) with clinical features of Duchenne muscular dystrophy (Invitae). This variant results in a copy number gain of the genomic region encompassing exon(s) 50-61 of the DMD gene. While the exact position of this variant cannot be determined from the data, sub-genic copy number gains are generally in tandem (PMID: 25640679). This variant is predicted to be out-of-frame, and may result in an absent or disrupted protein product. Loss-of-function variants in DMD are known to be pathogenic (PMID: 16770791, 25007885).

Literature cited by the submitters: PubMed 25640679; PubMed 16770791; PubMed 25007885.

NC_000023.10:g.(?_31366653)_(31838220_?)dup

Gene: DMD (dystrophin; minus strand). Cytogenetic location: Xp21.2-21.1.
Variant type: Duplication.
Identifiers: ClinVar variation 3243220 (VCV003243220.1).